The following is an entry in ClinVar:

ClinVar aggregate classification (germline): Likely benign (0 of 4 stars; one submission).

Conditions:
SEMA3D-related disorder. Also called: SEMA3D-related condition.

gnomAD v4.1: 9 of 1,612,930 alleles (0.00056%); highest among the groups gnomAD compares: African/African-American, 0.0094%; no homozygotes.

Submission:

PreventionGenetics, part of Exact Sciences
Classification: Likely benign for SEMA3D-related condition. Last evaluated: 2023-01-31. Review status: no assertion criteria provided. Collection method: clinical testing. Allele origin: germline.
Comment: This variant is classified as likely benign based on ACMG/AMP sequence variant interpretation guidelines (Richards et al. 2015 PMID: 25741868, with internal and published modifications).

NM_001384900.1(SEMA3D):c.1077G>A (p.Val359=)

Gene: SEMA3D (semaphorin 3D; minus strand). Cytogenetic location: 7q21.11.
Variant type: single nucleotide variant.
Coding change: c.1077G>A on transcript NM_001384900.1 (MANE Select); coding-DNA position 1077, G replaced by A.
Protein change: p.Val359=; no amino-acid change (valine 359 retained).
Molecular consequence: synonymous variant.
Genome position (GRCh38, 1-based): chr7:85,037,003, C>T on the plus strand (G>A on the coding strand, the complement: SEMA3D is on the minus strand). VCF-style: chr7-85037003-C-T. GRCh37 (hg19) VCF-style: chr7-84666319-C-T.
Other names: c.1077G>A, p.Val359= (NM_001384901.1, NM_001384902.1, NM_001384903.1 and 1 more transcripts).
Identifiers: ClinVar variation 3355071 (VCV003355071.1).